The following is an entry in ClinVar:

ClinVar aggregate classification (germline): Pathogenic. Review status: criteria provided, single submitter (1 of 4 stars). 2 submissions from 2 submitters: Pathogenic (1). 1 of the submissions does not count toward it. Last evaluated 2024-06-07.

Conditions:
Mucopolysaccharidosis, MPS-II (MPS2). Also called: IDS deficiency; Sulfoiduronate sulfatase deficiency; SIDS deficiency; Hunter Syndrome; IDURONATE 2-SULFATASE DEFICIENCY; Mucopolysaccharidosis Type II. Identifiers: Orphanet 580, Orphanet 79388, MedGen C0026705, MONDO:0010674, OMIM 309900.

Submissions (2):

Laboratory of Diagnosis and Therapy of Lysosomal Disorders, University of Padova
Classification: Pathogenic for Mucopolysaccharidosis, MPS-II. Last evaluated: 2024-06-07. Review status: criteria provided, single submitter. Criteria: ACMG Guidelines, 2015. Collection method: literature only. Allele origin: germline. Affected: yes. Observed: 1 variant allele.
Comment: Null variant (PVS1_VeryStrong), Absent from controls (or at low frequency) in gnomAD database (PM2_Moderate), Patient’s phenotype or family history highly specific for the disease (PP4_Moderate)

Classification method: ACMG Guidelines [PMID:25741868] with modifications

Division of Medical Genetics, Department of Pediatrics, All India Institute of Medical Sciences, New Delhi
Classification: Likely pathogenic for Mucopolysaccharidosis, MPS-II. Last evaluated: 2014-11-01. Review status: no assertion criteria provided. Collection method: research. Allele origin: germline. Inheritance: X-linked recessive inheritance. Affected: yes. Observed: 1 variant allele, 1 hemizygote. Not counted in ClinVar's aggregate classification.
Comment: The variant c.356_356delT (p.I119Tfs*11) was found to be a novel small frame-shift deletion, where a single base deletion leads to frameshift change in the ORF of the translated peptide leading to the substitution of aliphatic nonpolar neutral amino acid Isoleucine at 119 position by a hydroxyl-containing polar neutral amino acid Threonine. This leads to change in peptide sequence and formation of a stop codon change at 11 amino acid downstream of the mutation. In silico analysis by the web tool Mutation Taster characterise it as a "Disease causing" pathogenic variant.

Literature cited by the submitters: PubMed 35144014 (cited by Laboratory of Diagnosis and Therapy of Lysosomal Disorders, University of Padova).

NM_000202.8(IDS):c.356del (p.Ile119fs)

Gene: IDS (iduronate 2-sulfatase; minus strand). Cytogenetic location: Xq28.
Variant type: Deletion.
Coding change: c.356del on transcript NM_000202.8 (MANE Select); coding-DNA position 356, one base deleted (T; older notation c.356delT).
Protein change: p.Ile119fs; shifts the reading frame from isoleucine 119.
Molecular consequence: frameshift variant. On other transcripts: non-coding transcript variant (1).
Genome position (GRCh38, 1-based): chrX:149,503,374, A deleted on the plus strand (T on the coding strand, the reverse complement: IDS is on the minus strand). VCF-style (leftmost placement, unchanged base first): chrX-149503373-GA-G. GRCh37 (hg19) VCF-style: chrX-148584903-GA-G.
Other names: c.356_356delT (NM_000202.8); c.86del, p.Ile29fs (NM_001166550.4); c.356del, p.Ile119fs (NM_006123.5); short protein forms I119fs, I29fs.
Identifiers: ClinVar variation 1065348 (VCV001065348.4), dbSNP rs2124063133, ClinGen allele CA2499226398.
Genomic context (GRCh38, chrX:149,503,373, plus strand): 5'-AGGGTGAAAGACTTTTCCCACCGACATGGTCACATAGCCATTCTCCTTGAAGTACTGGGG[GA>G]TGGTGGAGAAGTTTCCAGCGTGCACCCTCCAGTAGGAGTTGAAGTCGTACAGGCGGGTGG-3'